The following is an entry in ClinVar:

ClinVar aggregate classification (germline): Uncertain significance (1 of 4 stars; one submission).

Conditions:
Glycogen storage disease IXd (GSD9D). Also called: Muscle Phosphorylase Kinase Deficiency; GSD IXd. Identifiers: Orphanet 715, MedGen C1845151, MONDO:0010362, OMIM 300559.

Submission:

Labcorp Genetics (formerly Invitae), Labcorp
Classification: Uncertain significance for Glycogen storage disease IXd. Last evaluated: 2026-01-12. Review status: criteria provided, single submitter. Criteria: Invitae Variant Classification Sherloc (09022015). Collection method: clinical testing. Allele origin: germline.
Comment: This variant, c.2085_2087del, results in the deletion of 1 amino acid(s) of the PHKA1 protein (p.Thr696del), but otherwise preserves the integrity of the reading frame. This variant is present in population databases (rs781819542, gnomAD 0.001%). This variant has not been reported in the literature in individuals affected with PHKA1-related conditions. Experimental studies and prediction algorithms are not available or were not evaluated, and the functional significance of this variant is currently unknown. In summary, the available evidence is currently insufficient to determine the role of this variant in disease. Therefore, it has been classified as a Variant of Uncertain Significance.

NM_002637.4(PHKA1):c.2082AAC[1] (p.Thr696del)

Gene: PHKA1 (phosphorylase kinase regulatory subunit alpha 1; minus strand). Cytogenetic location: Xq13.1.
Variant type: Microsatellite.
Coding change: c.2082AAC[1] on transcript NM_002637.4 (MANE Select); one copy of the 3-base unit AAC starting at c.2082; the reference has two copies in a row; one copy, 3 bases deleted.
Protein change: p.Thr696del; deletes threonine 696.
Molecular consequence: inframe deletion. On other transcripts: intron variant (2).
Genome position (GRCh38, 1-based): chrX:72,620,775-72,620,777, GTT deleted on the plus strand (AAC on the coding strand, the reverse complement: PHKA1 is on the minus strand); deleting any 3 consecutive bases within chrX:72,620,775-72,620,780 gives the same sequence; the position shown is the placement nearest the transcript's 3' end. VCF-style (leftmost placement, unchanged base first): chrX-72620774-GGTT-G. GRCh37 (hg19) VCF-style: chrX-71840624-GGTT-G.
Other names: c.2082AAC[1], p.Thr696del (NM_001122670.2, NM_001431068.1, NM_001440787.1); c.1961-1472_1961-1470del (NM_001440788.1, NM_001172436.2); short protein forms T696del.
Identifiers: ClinVar variation 4711179 (VCV004711179.1).
Genomic context (GRCh38, chrX:72,620,774, plus strand): 5'-GCATTACTCACTCTGTACATGCAGTTCCTTGGCCTTGGTCACCAAGGACATTAAGTCGCA[GGTT>G]GTTTGCACAGCAGCTTGGAACCGATCTAGCCCTCCCTTCTGTGAGGTAGGGGCTAGTTTA-3'